The following is an entry in ClinVar:

ClinVar aggregate classification (germline): Uncertain significance (1 of 4 stars; one submission).

Allele frequency attached by ClinVar (database versions not stated): TOPMed below 0.00001; gnomAD 0.00001; gnomAD exomes 0.00001.
gnomAD v4.1: 10 of 1,599,492 alleles (0.00063%); highest among the groups gnomAD compares: African/African-American, 0.0013%; no homozygotes.

Submission:

Ambry Genetics
Classification: Uncertain significance. Last evaluated: 2022-12-31. Review status: criteria provided, single submitter. Criteria: Ambry Variant Classification Scheme 2023. Collection method: clinical testing. Allele origin: germline.
Comment: The p.H219R variant (also known as c.656A>G), located in coding exon 5 of the POLQ gene, results from an A to G substitution at nucleotide position 656. The histidine at codon 219 is replaced by arginine, an amino acid with highly similar properties. This amino acid position is conserved. In addition, this alteration is predicted to be deleterious by in silico analysis. Since supporting evidence is limited at this time, the clinical significance of this alteration remains unclear.

NM_199420.4(POLQ):c.656A>G (p.His219Arg)

Gene: POLQ (DNA polymerase theta; minus strand). Cytogenetic location: 3q13.33.
Variant type: single nucleotide variant.
Coding change: c.656A>G on transcript NM_199420.4 (MANE Select); coding-DNA position 656, A replaced by G.
Protein change: p.His219Arg; replaces histidine 219 with arginine.
Molecular consequence: missense variant.
Genome position (GRCh38, 1-based): chr3:121,537,184, T>C on the plus strand (A>G on the coding strand, the complement: POLQ is on the minus strand). VCF-style: chr3-121537184-T-C. GRCh37 (hg19) VCF-style: chr3-121256031-T-C.
Other names: short protein forms H219R.
Identifiers: ClinVar variation 2449107 (VCV002449107.2), dbSNP rs1442090748, ClinGen allele CA354090727.